The following is an entry in ClinVar:

NM_000181.4(GUSB):c.805G>C (p.Val269Leu)

Gene: GUSB (glucuronidase beta; minus strand). Cytogenetic location: 7q11.21.
Variant type: single nucleotide variant.
Coding change: c.805G>C on transcript NM_000181.4 (MANE Select); coding-DNA position 805, G replaced by C.
Protein change: p.Val269Leu; replaces valine 269 with leucine.
Molecular consequence: missense variant. On other transcripts: non-coding transcript variant (1), intron variant (1).
Genome position (GRCh38, 1-based): chr7:65,976,122, C>G on the plus strand (G>C on the coding strand, the complement: GUSB is on the minus strand). VCF-style: chr7-65976122-C-G. GRCh37 (hg19) VCF-style: chr7-65441109-C-G.
Other names: c.235G>C, p.Val79Leu (NM_001293104.2); c.148G>C, p.Val50Leu (NM_001293105.2); c.475-1051G>C (NM_001284290.2); short protein forms V269L, V50L, V79L.
Identifiers: ClinVar variation 1470422 (VCV001470422.7), dbSNP rs755211573, ClinGen allele CA4276510.
Genomic context (GRCh38, chr7:65,976,122, plus strand): 5'-ACCAGAGGCTGACACCTGGCACCTTAAGTTGGCCCTGGGTCCCAGTCCCATTCGCCACGA[C>G]TTTGTTTTCTGCATCCAAAAGACGCACTTCCAACTTGAACAGGTTACTGCCCTTGACAGA-3'
Protein context (NP_000172.2, residues 259-279): EVRLLDAENK[Val269Leu]VANGTGTQGQ

ClinVar aggregate classification (germline): Uncertain significance. Review status: criteria provided, multiple submitters, no conflicts (2 of 4 stars). 2 submissions from 2 submitters: Uncertain significance (2). Last evaluated 2022-08-16.

Conditions:
Mucopolysaccharidosis type 7 (MPS7). Also called: GUSB DEFICIENCY; SLY SYNDROME; BETA-GLUCURONIDASE DEFICIENCY; MPS VII. Identifiers: Orphanet 584, MedGen C0085132, MONDO:0009662, OMIM 253220.

Allele frequency attached by ClinVar (database versions not stated): gnomAD 0.00002; TOPMed 0.00003.
gnomAD v4.1: 56 of 1,613,832 alleles (0.0035%); highest among the groups gnomAD compares: Non-Finnish European, 0.0047%; no homozygotes.

Submissions (2):

Labcorp Genetics (formerly Invitae), Labcorp
Classification: Uncertain significance for Mucopolysaccharidosis type 7. Last evaluated: 2022-08-16. Review status: criteria provided, single submitter. Criteria: Invitae Variant Classification Sherloc (09022015). Collection method: clinical testing. Allele origin: germline.
Comment: This sequence change replaces valine, which is neutral and non-polar, with leucine, which is neutral and non-polar, at codon 269 of the GUSB protein (p.Val269Leu). This variant is present in population databases (rs755211573, gnomAD 0.005%). This variant has not been reported in the literature in individuals affected with GUSB-related conditions. ClinVar contains an entry for this variant (Variation ID: 1470422). Algorithms developed to predict the effect of missense changes on protein structure and function output the following: SIFT: "Tolerated"; PolyPhen-2: "Benign"; Align-GVGD: "Class C0". The leucine amino acid residue is found in multiple mammalian species, which suggests that this missense change does not adversely affect protein function. In summary, the available evidence is currently insufficient to determine the role of this variant in disease. Therefore, it has been classified as a Variant of Uncertain Significance.

Revvity Omics, Revvity
Classification: Uncertain significance for Mucopolysaccharidosis type 7. Last evaluated: 2022-02-01. Review status: criteria provided, single submitter. Criteria: ACMG Guidelines, 2015. Collection method: clinical testing. Allele origin: germline.